The following is an entry in ClinVar:

NM_001347721.2(DYRK1A):c.284dup (p.Tyr95Ter)

Gene: DYRK1A (dual specificity tyrosine phosphorylation regulated kinase 1A; plus strand). Cytogenetic location: 21q22.13.
Variant type: Duplication.
Coding change: c.284dup on transcript NM_001347721.2 (MANE Select); coding-DNA position 284, one base duplicated (A; older notation c.284dupA).
Protein change: p.Tyr95Ter; replaces tyrosine 95 with a stop codon.
Molecular consequence: nonsense.
Genome position (GRCh38, 1-based): chr21:37,478,284, A duplicated. VCF-style (leftmost placement, unchanged base first): chr21-37478283-T-TA. GRCh37 (hg19) VCF-style: chr21-38850585-T-TA.
Other names: c.311dupA (NM_001396.3); c.284dup, p.Tyr95Ter (NM_001347722.2, NM_130436.2); c.197dup, p.Tyr66Ter (NM_001347723.2); c.311dup, p.Tyr104Ter (NM_001396.5, NM_101395.2, NM_130438.2); short protein forms Y104*, Y95*, Y66*.
Identifiers: ClinVar variation 472250 (VCV000472250.9), dbSNP rs1555979158, ClinGen allele CA658658890.
Genomic context (GRCh38, chr21:37,478,283, plus strand): 5'-ACCTTCCGTGACCCAGCAACTGCTCCCCTGAGAAAACTTTCTGTTGACTTGATCAAAACA[T>TA]ACAAGCATATTAATGAGGTAAGACTTGATTTGTTATAATAACATCTATCTTGCAGTATGT-3'

ClinVar aggregate classification (germline): Pathogenic (1 of 4 stars; one submission).

Conditions:
DYRK1A-related intellectual disability syndrome (MRD7). Also called: Intellectual developmental disorder, autosomal dominant 7; DYRK1A Syndrome. Identifiers: Orphanet 464306, MedGen C5568143, MONDO:0013578, OMIM 614104.

Submission:

Labcorp Genetics (formerly Invitae), Labcorp
Classification: Pathogenic for DYRK1A-related intellectual disability syndrome. Last evaluated: 2017-06-16. Review status: criteria provided, single submitter. Criteria: Invitae Variant Classification Sherloc (09022015). Collection method: clinical testing. Allele origin: germline.
Comment: For these reasons, this variant has been classified as Pathogenic. Loss-of-function variants in DYRK1A are known to be pathogenic (PMID: 25944381). This variant has not been reported in the literature in individuals with a DYRK1A-related disease. However, a different variant (c.312C>G) giving rise to the same protein effect observed here (p.Tyr104*) has been reported in an individual affected with microcephaly, intellectual disability, speech impairment, and distinct facial features (PMID: 25944381). This variant is not present in population databases (ExAC no frequency). This sequence change creates a premature translational stop signal (p.Tyr104*) in the DYRK1A gene. It is expected to result in an absent or disrupted protein product.

Literature cited by the submitters: PubMed 25944381.